The following is an entry in ClinVar:

ClinVar aggregate classification (germline): Uncertain significance. Review status: criteria provided, multiple submitters, no conflicts (2 of 4 stars). 2 submissions from 2 submitters: Uncertain significance (2). Last evaluated 2022-07-01.

Conditions:
Nemaline myopathy 2 (NEM2). Also called: Nemaline myopathy 2, autosomal recessive. Identifiers: MedGen C1850569, MONDO:0009725, OMIM 256030.
Arthrogryposis multiplex congenita 6. Identifiers: MedGen C5543431, MONDO:0030281, OMIM 619334.

Allele frequency attached by ClinVar (database versions not stated): TOPMed 0.00001; ExAC 0.00002; gnomAD 0.00002.
gnomAD v4.1: 29 of 1,612,666 alleles (0.0018%); highest among the groups gnomAD compares: East Asian, 0.011%; no homozygotes.

Submissions (2):

Labcorp Genetics (formerly Invitae), Labcorp
Classification: Uncertain significance for Nemaline myopathy 2. Last evaluated: 2022-07-01. Review status: criteria provided, single submitter. Criteria: Invitae Variant Classification Sherloc (09022015). Collection method: clinical testing. Allele origin: germline.
Comment: This sequence change replaces arginine, which is basic and polar, with cysteine, which is neutral and slightly polar, at codon 2799 of the NEB protein (p.Arg2799Cys). This variant is present in population databases (rs779321118, gnomAD 0.002%). This variant has not been reported in the literature in individuals affected with NEB-related conditions. Algorithms developed to predict the effect of missense changes on protein structure and function are either unavailable or do not agree on the potential impact of this missense change (SIFT: "Deleterious"; PolyPhen-2: "Not Available"; Align-GVGD: "Class C0"). In summary, the available evidence is currently insufficient to determine the role of this variant in disease. Therefore, it has been classified as a Variant of Uncertain Significance.

Juno Genomics, Hangzhou Juno Genomics, Inc
Classification: Uncertain significance for Arthrogryposis multiplex congenita 6; Nemaline myopathy 2. Review status: criteria provided, single submitter. Criteria: ACMG Guidelines, 2015. Collection method: clinical testing. Allele origin: germline.
Comment: Absent from controls (or at extremely low frequency if recessive) in Genome Aggregation Database.

NM_001164508.2(NEB):c.8395C>T (p.Arg2799Cys)

Gene: NEB (nebulin; minus strand). Cytogenetic location: 2q23.3.
Variant type: single nucleotide variant.
Coding change: c.8395C>T on transcript NM_001164508.2 (MANE Select); coding-DNA position 8395, C replaced by T.
Protein change: p.Arg2799Cys; replaces arginine 2799 with cysteine.
Molecular consequence: missense variant.
Genome position (GRCh38, 1-based): chr2:151,640,645, G>A on the plus strand (C>T on the coding strand, the complement: NEB is on the minus strand). VCF-style: chr2-151640645-G-A. GRCh37 (hg19) VCF-style: chr2-152497159-G-A.
Other names: c.8395C>T, p.Arg2799Cys (NM_001164507.2, NM_001271208.2, NM_004543.5); short protein forms R2799C.
Identifiers: ClinVar variation 2162810 (VCV002162810.3), dbSNP rs779321118, ClinGen allele CA1909594.